The following is an entry in ClinVar:

NM_007215.4(POLG2):c.244A>G (p.Ser82Gly)

Genes: MILR1 (mast cell immunoglobulin like receptor 1; plus strand), POLG2 (DNA polymerase gamma 2, accessory subunit; minus strand). Cytogenetic location: 17q23.3.
Variant type: single nucleotide variant.
Coding change: c.244A>G on transcript NM_007215.4 (MANE Select); coding-DNA position 244, A replaced by G.
Protein change: p.Ser82Gly; replaces serine 82 with glycine.
Molecular consequence: missense variant.
Genome position (GRCh38, 1-based): chr17:64,496,725, T>C on the plus strand (A>G on the coding strand, the complement: POLG2 is on the minus strand). VCF-style: chr17-64496725-T-C. GRCh37 (hg19) VCF-style: chr17-62492843-T-C.
Other names: short protein forms S82G.
Identifiers: ClinVar variation 4712830 (VCV004712830.1).

ClinVar aggregate classification (germline): Uncertain significance (1 of 4 stars; one submission).

gnomAD v4.1: 2 of 1,614,060 alleles (0.00012%); highest among the groups gnomAD compares: East Asian, 0.0022%; no homozygotes.

Submission:

Labcorp Genetics (formerly Invitae), Labcorp
Classification: Uncertain significance. Last evaluated: 2025-02-11. Review status: criteria provided, single submitter. Criteria: Invitae Variant Classification Sherloc (09022015). Collection method: clinical testing. Allele origin: germline.
Comment: This sequence change replaces serine, which is neutral and polar, with glycine, which is neutral and non-polar, at codon 82 of the POLG2 protein (p.Ser82Gly). This variant is not present in population databases (gnomAD no frequency). This variant has not been reported in the literature in individuals affected with POLG2-related conditions. An algorithm developed to predict the effect of missense changes on protein structure and function (PolyPhen-2) suggests that this variant is likely to be tolerated. In summary, the available evidence is currently insufficient to determine the role of this variant in disease. Therefore, it has been classified as a Variant of Uncertain Significance.